The following is an entry in ClinVar:

NM_000138.5(FBN1):c.3705A>G (p.Ser1235=)

Gene: FBN1 (fibrillin 1; minus strand). Cytogenetic location: 15q21.1.
Variant type: single nucleotide variant.
Coding change: c.3705A>G on transcript NM_000138.5 (MANE Select); coding-DNA position 3705, A replaced by G.
Protein change: p.Ser1235=; no amino-acid change (serine 1235 retained).
Molecular consequence: synonymous variant.
Genome position (GRCh38, 1-based): chr15:48,485,381, T>C on the plus strand (A>G on the coding strand, the complement: FBN1 is on the minus strand). VCF-style: chr15-48485381-T-C. GRCh37 (hg19) VCF-style: chr15-48777578-T-C.
Other names: c.3705A>G, p.Ser1235= (NM_001406716.1).
Identifiers: ClinVar variation 3070346 (VCV003070346.1), dbSNP rs1294094542, ClinGen allele CA490017314.

ClinVar aggregate classification (germline): Likely benign (1 of 4 stars; one submission).

Conditions:
Marfan syndrome (MFS). Also called: MARFAN SYNDROME, TYPE I; Marfan syndrome type 1; Marfan's syndrome; Marfan syndrome, classic; FBN1-Related Marfan Syndrome. Identifiers: Orphanet 284963, Orphanet 558, MedGen C0024796, MONDO:0007947, OMIM 154700.

Allele frequency attached by ClinVar (database versions not stated): gnomAD exomes below 0.00001.
gnomAD v4.1: 1 of 1,614,178 alleles (0.000062%); highest among the groups gnomAD compares: Non-Finnish European, 0.000085%; no homozygotes.

Submission:

All of Us Research Program, National Institutes of Health
Classification: Likely benign for Marfan syndrome. Last evaluated: 2023-04-10. Review status: criteria provided, single submitter. Criteria: ACMG Guidelines, 2015. Collection method: clinical testing. Allele origin: germline. Inheritance: Autosomal dominant inheritance. Observed: 1 variant allele, 1 heterozygote.
Comment: This study involves interpretation of variants in research participants for the purpose of population health screening. Participant phenotype was not available at the time of variant classification. Additional details can be found in publication PMID: 35346344, PMCID: PMC8962531